The following is an entry in ClinVar:

NM_000135.4(FANCA):c.1706T>A (p.Met569Lys)

Gene: FANCA (FA complementation group A; minus strand). Cytogenetic location: 16q24.3.
Variant type: single nucleotide variant.
Coding change: c.1706T>A on transcript NM_000135.4 (MANE Select); coding-DNA position 1706, T replaced by A.
Protein change: p.Met569Lys; replaces methionine 569 with lysine.
Molecular consequence: missense variant.
Genome position (GRCh38, 1-based): chr16:89,779,878, A>T on the plus strand (T>A on the coding strand, the complement: FANCA is on the minus strand). VCF-style: chr16-89779878-A-T. GRCh37 (hg19) VCF-style: chr16-89846286-A-T.
Other names: c.1706T>A, p.Met569Lys (NM_001286167.3); short protein forms M569K.
Identifiers: ClinVar variation 4870817 (VCV004870817.1).
Genomic context (GRCh38, chr16:89,779,878, plus strand): 5'-CGGTCTGCACACACTGCAGCTGCTAGAGGCCTTTTCGGCAGCCCAGCCTACCTGGCCTCC[A>T]TGACGGTGACTGGGATGTTCCCCGTATGCTCAAACACCATGATGGCCTTTTCAACATCCT-3'
Protein context (NP_000126.2, residues 559-579): EHTGNIPVTV[Met569Lys]EASIFRRPYY

ClinVar aggregate classification (germline): Uncertain significance (1 of 4 stars; one submission).

Conditions:
Inborn genetic diseases. Identifiers: MedGen C0950123, MeSH D030342.

Submission:

Ambry Genetics
Classification: Uncertain significance for Inborn genetic diseases. Last evaluated: 2026-04-04. Review status: criteria provided, single submitter. Criteria: Ambry Variant Classification Scheme 2023. Collection method: clinical testing. Allele origin: germline.
Comment: The p.M569K variant (also known as c.1706T>A), located in coding exon 18 of the FANCA gene, results from a T to A substitution at nucleotide position 1706. The methionine at codon 569 is replaced by lysine, an amino acid with similar properties. This amino acid position is conserved. In addition, this alteration is predicted to be deleterious by in silico analysis. Based on the available evidence, the clinical significance of this variant remains unclear.